The following is an entry in ClinVar:

NM_001127222.2(CACNA1A):c.6452_6463dup (p.Arg2154_Arg2155insHisHisGlnArg)

Gene: CACNA1A (calcium voltage-gated channel subunit alpha1 A; minus strand). Cytogenetic location: 19p13.13.
Variant type: Duplication.
Coding change: c.6452_6463dup on transcript NM_001127222.2 (MANE Select); coding-DNA positions 6452 to 6463, 12 bases duplicated (ACCACCAGCGGC).
Protein change: p.Arg2154_Arg2155insHisHisGlnArg.
Molecular consequence: inframe insertion.
Genome position (GRCh38, 1-based): chr19:13,209,375-13,209,386, GCCGCTGGTGGT duplicated on the plus strand (ACCACCAGCGGC on the coding strand, the reverse complement: CACNA1A is on the minus strand); duplicating any 12 consecutive bases within chr19:13,209,375-13,209,395 gives the same sequence; the c. name uses the placement nearest the transcript's 3' end. VCF-style (leftmost placement, unchanged base first): chr19-13209374-C-CGCCGCTGGTGGT. GRCh37 (hg19) VCF-style: chr19-13320188-C-CGCCGCTGGTGGT.
Other names: c.6470_6481dup, p.Arg2160_Arg2161insHisHisGlnArg (NM_000068.4, NM_023035.3); c.6455_6466dup, p.Arg2155_Arg2156insHisHisGlnArg (NM_001127221.2); c.6461_6472dup, p.Arg2157_Arg2158insHisHisGlnArg (NM_001174080.2).
Identifiers: ClinVar variation 3748649 (VCV003748649.2).

ClinVar aggregate classification (germline): Uncertain significance (1 of 4 stars; one submission).

Conditions:
Episodic ataxia type 2 (EA2). Also called: ACETAZOLAMIDE-RESPONSIVE HEREDITARY PAROXYSMAL CEREBELLAR ATAXIA; ATAXIA, EPISODIC, WITH NYSTAGMUS; ATAXIA, FAMILIAL PAROXYSMAL; CEREBELLAR ATAXIA, PAROXYSMAL, ACETAZOLAMIDE-RESPONSIVE; CEREBELLOPATHY, HEREDITARY PAROXYSMAL; EPISODIC ATAXIA, NYSTAGMUS-ASSOCIATED. Identifiers: Orphanet 97, MedGen C1720416, MONDO:0007163, OMIM 108500.
Developmental and epileptic encephalopathy, 42 (DEE42A). Also called: Epileptic encephalopathy, early infantile, 42; DEVELOPMENTAL AND EPILEPTIC ENCEPHALOPATHY 42A; EPILEPTIC ENCEPHALOPATHY, EARLY INFANTILE, 42A. Identifiers: MedGen C4310716, MONDO:0014917, OMIM 617106.

Submission:

Labcorp Genetics (formerly Invitae), Labcorp
Classification: Uncertain significance for Developmental and epileptic encephalopathy, 42; Episodic ataxia type 2. Last evaluated: 2025-01-28. Review status: criteria provided, single submitter. Criteria: Invitae Variant Classification Sherloc (09022015). Collection method: clinical testing. Allele origin: germline.
Comment: This variant, c.6455_6466dup, results in the insertion of 4 amino acid(s) of the CACNA1A protein (p.His2152_Arg2155dup), but otherwise preserves the integrity of the reading frame. This variant is not present in population databases (gnomAD no frequency). This variant has not been reported in the literature in individuals affected with CACNA1A-related conditions. In summary, the available evidence is currently insufficient to determine the role of this variant in disease. Therefore, it has been classified as a Variant of Uncertain Significance.